The following is an entry in ClinVar:

NM_001085.5(SERPINA3):c.1254C>G (p.Thr418=)

Gene: SERPINA3 (serpin family A member 3; plus strand). Cytogenetic location: 14q32.13.
Variant type: single nucleotide variant.
Coding change: c.1254C>G on transcript NM_001085.5 (MANE Select); coding-DNA position 1254, C replaced by G.
Protein change: p.Thr418=; no amino-acid change (threonine 418 retained).
Molecular consequence: synonymous variant.
Genome position (GRCh38, 1-based): chr14:94,623,796, C>G. VCF-style: chr14-94623796-C-G. GRCh37 (hg19) VCF-style: chr14-95090133-C-G.
Other names: c.1254C>G, p.Thr418= (NM_001384672.1, NM_001384673.1, NM_001384674.1).
Identifiers: ClinVar variation 2644486 (VCV002644486.24), dbSNP rs1886295470, ClinGen allele CA487625645.

ClinVar aggregate classification (germline): Likely benign (1 of 4 stars; one submission).

Submission:

CeGaT Center for Human Genetics Tuebingen
Classification: Likely benign. Last evaluated: 2023-03-01. Review status: criteria provided, single submitter. Criteria: CeGaT Center For Human Genetics Tuebingen Variant Classification Criteria Version 2. Collection method: clinical testing. Allele origin: germline. Affected: yes. Observed: 1 variant allele.
Comment: SERPINA3: PM2:Supporting, BP4, BP7